The following is an entry in ClinVar:

ClinVar aggregate classification (germline): Pathogenic/Likely pathogenic. Review status: criteria provided, multiple submitters, no conflicts (2 of 4 stars). 3 submissions from 3 submitters: Pathogenic (2); Likely pathogenic (1). Last evaluated 2024-06-03.

Conditions:
PMM2-congenital disorder of glycosylation. Also called: PMM2-CDG; CDG Ia; JAEKEN SYNDROME; PHOSPHOMANNOMUTASE 2 DEFICIENCY; CARBOHYDRATE-DEFICIENT GLYCOPROTEIN SYNDROME, TYPE Ia; Congenital disorder of glycosylation, type Ia. Identifiers: Orphanet 79318, MedGen C0349653, MONDO:0008907, OMIM 212065.

Submissions (3):

Fulgent Genetics
Classification: Likely pathogenic for PMM2-congenital disorder of glycosylation. Last evaluated: 2024-06-03. Review status: criteria provided, single submitter. Criteria: ACMG Guidelines, 2015. Collection method: clinical testing. Allele origin: germline.

Women's Health and Genetics/Laboratory Corporation of America, LabCorp
Classification: Pathogenic for PMM2-congenital disorder of glycosylation. Last evaluated: 2023-01-31. Review status: criteria provided, single submitter. Criteria: LabCorp Variant Classification Summary - May 2015. Collection method: clinical testing. Allele origin: germline.
Comment: Variant summary: PMM2 c.667G>A (p.Asp223Asn) results in a conservative amino acid change in the encoded protein sequence. Four of five in-silico tools predict a damaging effect of the variant on protein function. The variant was absent in 251264 control chromosomes. c.667G>A has been reported in the literature in multiple individuals affected with Congenital Disorder Of Glycosylation Type 1a (e.g., Schollen_2002, Haeuptle_2009, Barone_2015, Francisco_2020). These data indicate that the variant is likely to be associated with disease. Several publications report enzyme activity in patients carrying the variant of interest, finding severely reduced or undetectable PMM enzymatic activity in fibroblasts from compound heterozygous patients (e.g., Barone_2015, Bortot_2019). Additional studies in fibroblasts derived from a compound heterozygous patient found further lysosomal enzyme deficits (Bortot_2019). No clinical diagnostic laboratories have submitted clinical-significance assessments for this variant to ClinVar after 2014. In addition, p.D223E has been reported to associate with Congenital disorder of glycosylation 1a (HGMD database). Based on the evidence outlined above, the variant was classified as pathogenic.

Baylor Genetics
Classification: Pathogenic for PMM2-congenital disorder of glycosylation. Last evaluated: 2022-10-27. Review status: criteria provided, single submitter. Criteria: ACMG Guidelines, 2015. Collection method: clinical testing. Allele origin: unknown.

Literature cited by the submitters: PubMed 25355454 (cited by Women's Health and Genetics/Laboratory Corporation of America, LabCorp); PubMed 12357336 (cited by Women's Health and Genetics/Laboratory Corporation of America, LabCorp); PubMed 19862844 (cited by Women's Health and Genetics/Laboratory Corporation of America, LabCorp); PubMed 32635232 (cited by Women's Health and Genetics/Laboratory Corporation of America, LabCorp); PubMed 31115488 (cited by Women's Health and Genetics/Laboratory Corporation of America, LabCorp); PubMed 34859900 (cited by Women's Health and Genetics/Laboratory Corporation of America, LabCorp).

NM_000303.3(PMM2):c.667G>A (p.Asp223Asn)

Gene: PMM2 (phosphomannomutase 2; plus strand). Cytogenetic location: 16p13.2.
Variant type: single nucleotide variant.
Coding change: c.667G>A on transcript NM_000303.3 (MANE Select); coding-DNA position 667, G replaced by A.
Protein change: p.Asp223Asn; replaces aspartic acid 223 with asparagine.
Molecular consequence: missense variant.
Genome position (GRCh38, 1-based): chr16:8,847,751, G>A. VCF-style: chr16-8847751-G-A. GRCh37 (hg19) VCF-style: chr16-8941608-G-A.
Other names: short protein forms D223N.
Identifiers: ClinVar variation 2429140 (VCV002429140.5), dbSNP rs201960869, ClinGen allele CA277500374.